The following is an entry in ClinVar:

NM_022124.6(CDH23):c.9291G>T (p.Lys3097Asn)

Gene: CDH23 (cadherin related 23; plus strand). Cytogenetic location: 10q22.1.
Variant type: single nucleotide variant.
Coding change: c.9291G>T on transcript NM_022124.6 (MANE Select); coding-DNA position 9291, G replaced by T.
Protein change: p.Lys3097Asn; replaces lysine 3097 with asparagine.
Molecular consequence: missense variant.
Genome position (GRCh38, 1-based): chr10:71,811,725, G>T. VCF-style: chr10-71811725-G-T. GRCh37 (hg19) VCF-style: chr10-73571482-G-T.
Other names: c.2571G>T, p.Lys857Asn (NM_001171933.1, NM_001171934.1); short protein forms K3097N, K857N.
Identifiers: ClinVar variation 300473 (VCV000300473.8), dbSNP rs368441850, ClinGen allele CA5546966.

ClinVar aggregate classification (germline): Uncertain significance. Review status: criteria provided, multiple submitters, no conflicts (2 of 4 stars). 4 submissions from 3 submitters: Uncertain significance (4). Last evaluated 2024-06-10.

Conditions:
Autosomal recessive nonsyndromic hearing loss 12. Also called: DEAFNESS, AUTOSOMAL RECESSIVE 12. Identifiers: Orphanet 90636, MedGen C1832394, MONDO:0011067, OMIM 601386.
Usher syndrome type 1D (USH1D). Also called: USHER SYNDROME, TYPE ID. Identifiers: Orphanet 231169, Orphanet 886, MedGen C1832845, MONDO:0010984, OMIM 601067.

Allele frequency attached by ClinVar (database versions not stated): gnomAD 0.00006 and 0.00007; gnomAD exomes 0.00007 and 0.00009; TOPMed 0.00007; 1000 Genomes Project 30x 0.00016; ExAC 0.00016; 1000 Genomes Project 0.00020; ESP Exome Variant Server 0.00025.
gnomAD v4.1: 140 of 1,601,528 alleles (0.0087%); highest among the groups gnomAD compares: Non-Finnish European, 0.011%; no homozygotes.

Submissions (4):

Blueprint Genetics
Classification: Uncertain significance. Last evaluated: 2024-06-10. Review status: criteria provided, single submitter. Criteria: ACMG Guidelines, 2015. Collection method: clinical testing. Allele origin: germline.

Labcorp Genetics (formerly Invitae), Labcorp
Classification: Uncertain significance. Last evaluated: 2022-09-26. Review status: criteria provided, single submitter. Criteria: Invitae Variant Classification Sherloc (09022015). Collection method: clinical testing. Allele origin: germline.
Comment: This sequence change replaces lysine, which is basic and polar, with asparagine, which is neutral and polar, at codon 3097 of the CDH23 protein (p.Lys3097Asn). This variant is present in population databases (rs368441850, gnomAD 0.02%). This variant has not been reported in the literature in individuals affected with CDH23-related conditions. ClinVar contains an entry for this variant (Variation ID: 300473). Advanced modeling of protein sequence and biophysical properties (such as structural, functional, and spatial information, amino acid conservation, physicochemical variation, residue mobility, and thermodynamic stability) performed at Invitae indicates that this missense variant is not expected to disrupt CDH23 protein function. In summary, the available evidence is currently insufficient to determine the role of this variant in disease. Therefore, it has been classified as a Variant of Uncertain Significance.

Illumina Laboratory Services, Illumina
Classification: Uncertain significance for Autosomal recessive nonsyndromic hearing loss 12. Last evaluated: 2018-01-12. Review status: criteria provided, single submitter. Criteria: ICSL Variant Classification Criteria 13 December 2019. Collection method: clinical testing. Allele origin: germline.

Illumina Laboratory Services, Illumina
Classification: Uncertain significance for Usher syndrome type 1D. Last evaluated: 2018-01-12. Review status: criteria provided, single submitter. Criteria: ICSL Variant Classification Criteria 13 December 2019. Collection method: clinical testing. Allele origin: germline.